The following is an entry in ClinVar:

NM_152564.5(VPS13B):c.1234T>A (p.Tyr412Asn)

Gene: VPS13B (vacuolar protein sorting 13 homolog B; plus strand). Cytogenetic location: 8q22.2.
Variant type: single nucleotide variant.
Coding change: c.1234T>A on transcript NM_152564.5 (MANE Select); coding-DNA position 1234, T replaced by A.
Protein change: p.Tyr412Asn; replaces tyrosine 412 with asparagine.
Molecular consequence: missense variant.
Genome position (GRCh38, 1-based): chr8:99,134,659, T>A. VCF-style: chr8-99134659-T-A. GRCh37 (hg19) VCF-style: chr8-100146887-T-A.
Other names: c.1234T>A, p.Tyr412Asn (NM_015243.3, NM_017890.5); short protein forms Y412N.
Identifiers: ClinVar variation 966318 (VCV000966318.1), dbSNP rs1809977101, ClinGen allele CA371861923.

ClinVar aggregate classification (germline): Uncertain significance (1 of 4 stars; one submission).

Conditions:
Cohen syndrome (COH1). Also called: Cutis verticis gyrata, retinitis pigmentosa, and sensorineural deafness; PEPPER SYNDROME. Identifiers: Orphanet 193, MedGen C0265223, MONDO:0008999, OMIM 216550.

Submission:

Labcorp Genetics (formerly Invitae), Labcorp
Classification: Uncertain significance for Cohen syndrome. Last evaluated: 2019-10-19. Review status: criteria provided, single submitter. Criteria: Invitae Variant Classification Sherloc (09022015). Collection method: clinical testing. Allele origin: germline.
Comment: This sequence change replaces tyrosine with asparagine at codon 412 of the VPS13B protein (p.Tyr412Asn). The tyrosine residue is weakly conserved and there is a large physicochemical difference between tyrosine and asparagine. This variant is not present in population databases (ExAC no frequency). This variant has not been reported in the literature in individuals with VPS13B-related conditions. Algorithms developed to predict the effect of missense changes on protein structure and function are either unavailable or do not agree on the potential impact of this missense change (SIFT: "Deleterious"; PolyPhen-2: "Possibly Damaging"; Align-GVGD: "Class C0"). In summary, the available evidence is currently insufficient to determine the role of this variant in disease. Therefore, it has been classified as a Variant of Uncertain Significance.